The following is an entry in ClinVar:

ClinVar aggregate classification (germline): Uncertain significance (1 of 4 stars; one submission).

Submission:

GeneDx
Classification: Uncertain significance. Last evaluated: 2024-12-18. Review status: criteria provided, single submitter. Criteria: GeneDx Variant Classification Process June 2021. Collection method: clinical testing. Allele origin: germline. Affected: yes.
Comment: Not observed at significant frequency in large population cohorts (gnomAD); Has not been previously published as pathogenic or benign to our knowledge; Nonsense variant predicted to result in protein truncation or nonsense mediated decay in a gene for which loss-of-function is not an established mechanism of disease

NM_001077446.4(TSEN34):c.373C>T (p.Gln125Ter)

Gene: TSEN34 (tRNA splicing endonuclease subunit 34; plus strand). Cytogenetic location: 19q13.42.
Variant type: single nucleotide variant.
Coding change: c.373C>T on transcript NM_001077446.4 (MANE Select); coding-DNA position 373, C replaced by T.
Protein change: p.Gln125Ter; replaces glutamine 125 with a stop codon.
Molecular consequence: nonsense.
Genome position (GRCh38, 1-based): chr19:54,191,850, C>T. VCF-style: chr19-54191850-C-T. GRCh37 (hg19) VCF-style: chr19-54695701-C-T.
Other names: c.373C>T, p.Gln125Ter (NM_001282332.2, NM_001282333.2, NM_001386740.1 and 1 more transcripts); short protein forms Q125*.
Identifiers: ClinVar variation 3906708 (VCV003906708.1).